The following is an entry in ClinVar:

ClinVar aggregate classification (germline): Likely benign. Review status: criteria provided, multiple submitters, no conflicts (2 of 4 stars). 2 submissions from 2 submitters: Likely benign (2). Last evaluated 2024-07-01.

Allele frequency attached by ClinVar (database versions not stated): ESP Exome Variant Server 0.00008; 1000 Genomes Project 0.00020; gnomAD 0.00020; TOPMed 0.00022; 1000 Genomes Project 30x 0.00031.
gnomAD v4.1: 170 of 1,613,382 alleles (0.011%); highest among the groups gnomAD compares: Admixed American, 0.035%; 1 homozygote.

Submissions (2):

CeGaT Center for Human Genetics Tuebingen
Classification: Likely benign. Last evaluated: 2024-07-01. Review status: criteria provided, single submitter. Criteria: CeGaT Center For Human Genetics Tuebingen Variant Classification Criteria Version 2. Collection method: clinical testing. Allele origin: germline. Affected: yes. Observed: 1 variant allele.
Comment: DMGDH: BP4

GeneDx
Classification: Likely benign. Last evaluated: 2017-07-05. Review status: criteria provided, single submitter. Criteria: GeneDx Variant Classification (06012015). Collection method: clinical testing. Allele origin: germline. Affected: yes.
Comment: This variant is considered likely benign or benign based on one or more of the following criteria: it is a conservative change, it occurs at a poorly conserved position in the protein, it is predicted to be benign by multiple in silico algorithms, and/or has population frequency not consistent with disease.

NM_013391.3(DMGDH):c.2196C>T (p.Asn732=)

Gene: DMGDH (dimethylglycine dehydrogenase; minus strand). Cytogenetic location: 5q14.1.
Variant type: single nucleotide variant.
Coding change: c.2196C>T on transcript NM_013391.3 (MANE Select); coding-DNA position 2196, C replaced by T.
Protein change: p.Asn732=; no amino-acid change (asparagine 732 retained).
Molecular consequence: synonymous variant. On other transcripts: non-coding transcript variant (2).
Genome position (GRCh38, 1-based): chr5:79,024,325, G>A on the plus strand (C>T on the coding strand, the complement: DMGDH is on the minus strand). VCF-style: chr5-79024325-G-A. GRCh37 (hg19) VCF-style: chr5-78320148-G-A.
Identifiers: ClinVar variation 510489 (VCV000510489.18), dbSNP rs193210109, ClinGen allele CA3318508.